The following is an entry in ClinVar:

NM_015102.5(NPHP4):c.1128G>T (p.Ser376=)

Gene: NPHP4 (nephrocystin 4; minus strand). Cytogenetic location: 1p36.31.
Variant type: single nucleotide variant.
Coding change: c.1128G>T on transcript NM_015102.5 (MANE Select); coding-DNA position 1128, G replaced by T.
Protein change: p.Ser376=; no amino-acid change (serine 376 retained).
Molecular consequence: synonymous variant. On other transcripts: 5 prime UTR variant (2), non-coding transcript variant (1).
Genome position (GRCh38, 1-based): chr1:5,933,321, C>A on the plus strand (G>T on the coding strand, the complement: NPHP4 is on the minus strand). VCF-style: chr1-5933321-C-A. GRCh37 (hg19) VCF-style: chr1-5993381-C-A.
Other names: c.-239G>T (NM_001291593.2, NM_001291594.2).
Identifiers: ClinVar variation 4994478 (VCV004994478.1).

ClinVar aggregate classification (germline): Likely benign (1 of 4 stars; one submission).

Conditions:
NPHP4-related disorder. Also called: NPHP4-related disorders; NPHP4-related condition. Identifiers: MedGen CN239384.

Submission:

PreventionGenetics, part of Exact Sciences
Classification: Likely benign for NPHP4-related condition. Last evaluated: 2025-09-04. Review status: criteria provided, single submitter. Criteria: ACMG Guidelines, 2015. Collection method: clinical testing. Allele origin: germline.
Comment: This variant is classified as likely benign based on ACMG/AMP sequence variant interpretation guidelines (Richards et al. 2015 PMID: 25741868, with internal and published modifications).